The following is an entry in ClinVar:

NM_001367624.2(ZNF469):c.8845C>G (p.Pro2949Ala)

Gene: ZNF469 (zinc finger protein 469; plus strand). Cytogenetic location: 16q24.2.
Variant type: single nucleotide variant.
Coding change: c.8845C>G on transcript NM_001367624.2 (MANE Select); coding-DNA position 8845, C replaced by G.
Protein change: p.Pro2949Ala; replaces proline 2949 with alanine.
Molecular consequence: missense variant.
Genome position (GRCh38, 1-based): chr16:88,436,315, C>G. VCF-style: chr16-88436315-C-G. GRCh37 (hg19) VCF-style: chr16-88502723-C-G.
Other names: NM_001127464.1:c.8761C>G; short protein forms P2949A.
Identifiers: ClinVar variation 1368439 (VCV001368439.7), dbSNP rs992507100, ClinGen allele CA286384695.

ClinVar aggregate classification (germline): Uncertain significance. Review status: criteria provided, multiple submitters, no conflicts (2 of 4 stars). 3 submissions from 3 submitters: Uncertain significance (3). Last evaluated 2025-12-29.

Conditions:
Cardiovascular phenotype. Identifiers: MedGen CN230736.

Allele frequency attached by ClinVar (database versions not stated): gnomAD exomes 0.00005 and 0.00001.
gnomAD v4.1: 69 of 1,549,562 alleles (0.0045%); highest among the groups gnomAD compares: Non-Finnish European, 0.0059%; no homozygotes.

Submissions (3):

Women's Health and Genetics/Laboratory Corporation of America, LabCorp
Classification: Uncertain significance. Last evaluated: 2025-12-29. Review status: criteria provided, single submitter. Criteria: LabCorp Variant Classification Summary - May 2015. Collection method: clinical testing. Allele origin: germline.
Comment: Variant summary: ZNF469 c.8845C>G (p.Pro2949Ala) results in a non-conservative amino acid change in the encoded protein sequence. Algorithms developed to predict the effect of missense changes on protein structure and function are either unavailable or do not agree on the potential impact of this missense change. The variant allele was found at a frequency of 1.3e-05 in 149440 control chromosomes. The available data on variant occurrences in the general population are insufficient to allow any conclusion about variant significance. To our knowledge, no occurrence of c.8845C>G in individuals affected with ZNF469-related conditions and no experimental evidence demonstrating its impact on protein function have been reported. ClinVar contains an entry for this variant (Variation ID: 1368439). Based on the evidence outlined above, the variant was classified as uncertain significance.

Ambry Genetics
Classification: Uncertain significance for Cardiovascular phenotype. Last evaluated: 2024-10-24. Review status: criteria provided, single submitter. Criteria: Ambry Variant Classification Scheme 2023. Collection method: clinical testing. Allele origin: germline.
Comment: The p.P2921A variant (also known as c.8761C>G), located in coding exon 2 of the ZNF469 gene, results from a C to G substitution at nucleotide position 8761. The proline at codon 2921 is replaced by alanine, an amino acid with highly similar properties. This alteration was reported in a control subject (Lucas SEM et al. Invest Ophthalmol Vis Sci, 2017 12;58:6248-6256). This amino acid position is well conserved in available vertebrate species. In addition, this alteration is predicted to be tolerated by in silico analysis. Since supporting evidence is limited at this time, the clinical significance of this alteration remains unclear.

Labcorp Genetics (formerly Invitae), Labcorp
Classification: Uncertain significance. Last evaluated: 2022-09-13. Review status: criteria provided, single submitter. Criteria: Invitae Variant Classification Sherloc (09022015). Collection method: clinical testing. Allele origin: germline.
Comment: This sequence change replaces proline, which is neutral and non-polar, with alanine, which is neutral and non-polar, at codon 2921 of the ZNF469 protein (p.Pro2921Ala). This variant is present in population databases (no rsID available, gnomAD 0.006%). This variant has not been reported in the literature in individuals affected with ZNF469-related conditions. ClinVar contains an entry for this variant (Variation ID: 1368439). Algorithms developed to predict the effect of missense changes on protein structure and function are either unavailable or do not agree on the potential impact of this missense change (SIFT: "Tolerated"; PolyPhen-2: "Possibly Damaging"; Align-GVGD: "Class C0"). In summary, the available evidence is currently insufficient to determine the role of this variant in disease. Therefore, it has been classified as a Variant of Uncertain Significance.

Literature cited by the submitters: PubMed 29228253 (cited by Ambry Genetics).